The following is an entry in ClinVar:

ClinVar aggregate classification (germline): Uncertain significance (1 of 4 stars; one submission).

Conditions:
Inborn genetic diseases. Identifiers: MedGen C0950123, MeSH D030342.

gnomAD v4.1: 9 of 1,613,750 alleles (0.00056%); highest among the groups gnomAD compares: Non-Finnish European, 0.00076%; no homozygotes.

Submission:

Ambry Genetics
Classification: Uncertain significance for Inborn genetic diseases. Last evaluated: 2026-01-25. Review status: criteria provided, single submitter. Criteria: Ambry Variant Classification Scheme 2023. Collection method: clinical testing. Allele origin: germline.
Comment: The p.G1124R variant (also known as c.3370G>C), located in coding exon 1 of the SAMD9 gene, results from a G to C substitution at nucleotide position 3370. The glycine at codon 1124 is replaced by arginine, an amino acid with dissimilar properties. This amino acid position is conserved. In addition, this alteration is predicted to be deleterious by in silico analysis. Based on the available evidence, the clinical significance of this variant remains unclear.

NM_017654.4(SAMD9):c.3370G>C (p.Gly1124Arg)

Gene: SAMD9 (sterile alpha motif domain containing 9; minus strand). Cytogenetic location: 7q21.2.
Variant type: single nucleotide variant.
Coding change: c.3370G>C on transcript NM_017654.4 (MANE Select); coding-DNA position 3370, G replaced by C.
Protein change: p.Gly1124Arg; replaces glycine 1124 with arginine.
Molecular consequence: missense variant.
Genome position (GRCh38, 1-based): chr7:93,102,728, C>G on the plus strand (G>C on the coding strand, the complement: SAMD9 is on the minus strand). VCF-style: chr7-93102728-C-G. GRCh37 (hg19) VCF-style: chr7-92732041-C-G.
Other names: c.3370G>C, p.Gly1124Arg (NM_001193307.2); short protein forms G1124R.
Identifiers: ClinVar variation 4824688 (VCV004824688.1).